The following is an entry in ClinVar:

ClinVar aggregate classification (germline): Uncertain significance. Review status: criteria provided, multiple submitters, no conflicts (2 of 4 stars). 2 submissions from 2 submitters: Uncertain significance (2). Last evaluated 2024-06-28.

Conditions:
Early Myoclonic Encephalopathy. Identifiers: MedGen C0270855.

Allele frequency attached by ClinVar (database versions not stated): gnomAD exomes below 0.00001; TOPMed 0.00001; gnomAD 0.00002.
gnomAD v4.1: 5 of 1,610,782 alleles (0.00031%); highest among the groups gnomAD compares: African/African-American, 0.0053%; no homozygotes.

Submissions (2):

Labcorp Genetics (formerly Invitae), Labcorp
Classification: Uncertain significance for Early Myoclonic Encephalopathy. Last evaluated: 2024-06-28. Review status: criteria provided, single submitter. Criteria: Invitae Variant Classification Sherloc (09022015). Collection method: clinical testing. Allele origin: germline.
Comment: This sequence change replaces valine, which is neutral and non-polar, with isoleucine, which is neutral and non-polar, at codon 2488 of the JMJD1C protein (p.Val2488Ile). This variant is present in population databases (no rsID available, gnomAD 0.0009%). This variant has not been reported in the literature in individuals affected with JMJD1C-related conditions. ClinVar contains an entry for this variant (Variation ID: 656032). Advanced modeling of protein sequence and biophysical properties (such as structural, functional, and spatial information, amino acid conservation, physicochemical variation, residue mobility, and thermodynamic stability) performed at Invitae indicates that this missense variant is expected to disrupt JMJD1C protein function with a positive predictive value of 80%. Algorithms developed to predict the effect of sequence changes on RNA splicing suggest that this variant may create or strengthen a splice site. In summary, the available evidence is currently insufficient to determine the role of this variant in disease. Therefore, it has been classified as a Variant of Uncertain Significance.

Ambry Genetics
Classification: Uncertain significance. Last evaluated: 2022-04-13. Review status: criteria provided, single submitter. Criteria: Ambry Variant Classification Scheme 2023. Collection method: clinical testing. Allele origin: germline.

NM_032776.3(JMJD1C):c.7462G>A (p.Val2488Ile)

Gene: JMJD1C (jumonji domain containing 1C; minus strand). Cytogenetic location: 10q21.3.
Variant type: single nucleotide variant.
Coding change: c.7462G>A on transcript NM_032776.3 (MANE Select); coding-DNA position 7462, G replaced by A.
Protein change: p.Val2488Ile; replaces valine 2488 with isoleucine.
Molecular consequence: missense variant. On other transcripts: non-coding transcript variant (1).
Genome position (GRCh38, 1-based): chr10:63,168,506, C>T on the plus strand (G>A on the coding strand, the complement: JMJD1C is on the minus strand). VCF-style: chr10-63168506-C-T. GRCh37 (hg19) VCF-style: chr10-64928266-C-T.
Other names: c.7462G>A (NM_032776.1); c.6916G>A, p.Val2306Ile (NM_001282948.2, NM_001318154.2); c.6598G>A, p.Val2200Ile (NM_001318153.2); c.7348G>A, p.Val2450Ile (NM_001322252.2); c.6805G>A, p.Val2269Ile (NM_001322254.2, NM_001322258.2); short protein forms V2269I, V2488I, V2306I, V2200I, V2450I.
Identifiers: ClinVar variation 656032 (VCV000656032.9), dbSNP rs1399477479, ClinGen allele CA377017982.
Genomic context (GRCh38, chr10:63,168,506, plus strand): 5'-CATCATAATTGATTTCTTCCTTCAAAAGTCTCAGTTCCTGTGTTAAATGAAATGACTCTA[C>T]AAGATGTTCTGGAGACACAAAATCTTCAGTTACCTGAATACAGCTGTGAAAATTCTGAAC-3'
Protein context (NP_116165.1, residues 2478-2498): TEDFVSPEHL[Val2488Ile]ESFHLTQELR